The following is an entry in ClinVar:

NM_001376.5(DYNC1H1):c.3805-148A>G

Gene: DYNC1H1 (dynein cytoplasmic 1 heavy chain 1; plus strand). Cytogenetic location: 14q32.31.
Variant type: single nucleotide variant.
Coding change: c.3805-148A>G on transcript NM_001376.5 (MANE Select); 148 bases into the intron before coding-DNA position 3805, A replaced by G.
Molecular consequence: intron variant.
Genome position (GRCh38, 1-based): chr14:101,999,841, A>G. VCF-style: chr14-101999841-A-G. GRCh37 (hg19) VCF-style: chr14-102466178-A-G.
Identifiers: ClinVar variation 679342 (VCV000679342.2), dbSNP rs8014930, ClinGen allele CA14037200.

ClinVar aggregate classification (germline): Benign. Review status: criteria provided, multiple submitters, no conflicts (2 of 4 stars). 2 submissions from 2 submitters: Benign (2). Last evaluated 2018-06-18.

Allele frequency attached by ClinVar (database versions not stated): gnomAD exomes 0.12067; gnomAD 0.14887 and 0.15067; TOPMed 0.15681; 1000 Genomes Project 30x 0.19613; 1000 Genomes Project 0.19629.
gnomAD v4.1: 135,721 of 1,083,620 alleles (13%); highest among the groups gnomAD compares: East Asian, 24%; 9,550 homozygotes.

Submissions (2):

GeneDx
Classification: Benign. Last evaluated: 2018-06-18. Review status: criteria provided, single submitter. Criteria: GeneDx Variant Classification (06012015). Collection method: clinical testing. Allele origin: germline. Affected: yes.
Comment: This variant is considered likely benign or benign based on one or more of the following criteria: it is a conservative change, it occurs at a poorly conserved position in the protein, it is predicted to be benign by multiple in silico algorithms, and/or has population frequency not consistent with disease.

Breakthrough Genomics
Classification: Benign. Review status: criteria provided, single submitter. Criteria: ACMG Guidelines, 2015. Collection method: not provided. Allele origin: germline. Inheritance: Autosomal dominant inheritance. Affected: yes.